The following is an entry in ClinVar:

ClinVar aggregate classification (germline): Benign. Review status: criteria provided, multiple submitters, no conflicts (2 of 4 stars). 3 submissions from 3 submitters: Benign (2). 1 of the submissions does not count toward it. Last evaluated 2025-09-30.

Conditions:
SALL1-related disorder. Also called: SALL1-related condition.
Townes syndrome (TBS). Also called: Townes-Brocks syndrome. Identifiers: Orphanet 857, MedGen C0265246, MeSH C536974, MONDO:0007142.

Allele frequency attached by ClinVar (database versions not stated): gnomAD exomes 0.00020 and 0.00047; 1000 Genomes Project 30x 0.00047; ExAC 0.00055; gnomAD 0.00001 and 0.00007; TOPMed 0.00003; 1000 Genomes Project 0.00060.

Submissions (3):

Labcorp Genetics (formerly Invitae), Labcorp
Classification: Benign for Townes syndrome. Last evaluated: 2025-09-30. Review status: criteria provided, single submitter. Criteria: Invitae Variant Classification Sherloc (09022015). Collection method: clinical testing. Allele origin: germline.

GeneDx
Classification: Benign. Last evaluated: 2019-12-02. Review status: criteria provided, single submitter. Criteria: GeneDx Variant Classification Process June 2021. Collection method: clinical testing. Allele origin: germline. Affected: yes.

PreventionGenetics, part of Exact Sciences
Classification: Likely benign for SALL1-related condition. Last evaluated: 2022-07-05. Review status: no assertion criteria provided. Collection method: clinical testing. Allele origin: germline. Not counted in ClinVar's aggregate classification.
Comment: This variant is classified as likely benign based on ACMG/AMP sequence variant interpretation guidelines (Richards et al. 2015 PMID: 25741868, with internal and published modifications).

NM_002968.3(SALL1):c.2008T>C (p.Phe670Leu)

Gene: SALL1 (spalt like transcription factor 1; minus strand). Cytogenetic location: 16q12.1.
Variant type: single nucleotide variant.
Coding change: c.2008T>C on transcript NM_002968.3 (MANE Select); coding-DNA position 2008, T replaced by C.
Protein change: p.Phe670Leu; replaces phenylalanine 670 with leucine.
Molecular consequence: missense variant.
Genome position (GRCh38, 1-based): chr16:51,140,214, A>G on the plus strand (T>C on the coding strand, the complement: SALL1 is on the minus strand). VCF-style: chr16-51140214-A-G. GRCh37 (hg19) VCF-style: chr16-51174125-A-G.
Other names: c.1717T>C, p.Phe573Leu (NM_001127892.2); short protein forms F670L, F573L.
Identifiers: ClinVar variation 1269329 (VCV001269329.4), dbSNP rs565545750, ClinGen allele CA8053176.